The following is an entry in ClinVar:

NM_023077.3(COA7):c.58A>T (p.Met20Leu)

Gene: COA7 (cytochrome c oxidase assembly factor 7; minus strand). Cytogenetic location: 1p32.3.
Variant type: single nucleotide variant.
Coding change: c.58A>T on transcript NM_023077.3 (MANE Select); coding-DNA position 58, A replaced by T.
Protein change: p.Met20Leu; replaces methionine 20 with leucine.
Molecular consequence: missense variant.
Genome position (GRCh38, 1-based): chr1:52,698,269, T>A on the plus strand (A>T on the coding strand, the complement: COA7 is on the minus strand). VCF-style: chr1-52698269-T-A. GRCh37 (hg19) VCF-style: chr1-53163941-T-A.
Other names: short protein forms M20L.
Identifiers: ClinVar variation 2638818 (VCV002638818.24), dbSNP rs898108138, ClinGen allele CA340351093.

ClinVar aggregate classification (germline): Uncertain significance (1 of 4 stars; one submission).

gnomAD v4.1: 4 of 1,612,998 alleles (0.00025%); highest among the groups gnomAD compares: Non-Finnish European, 0.00034%; no homozygotes.

Submission:

CeGaT Center for Human Genetics Tuebingen
Classification: Uncertain significance. Last evaluated: 2022-03-01. Review status: criteria provided, single submitter. Criteria: CeGaT Center For Human Genetics Tuebingen Variant Classification Criteria Version 2. Collection method: clinical testing. Allele origin: germline. Affected: yes. Observed: 1 variant allele.
Comment: COA7: PM2, BP4